The following is an entry in ClinVar:

ClinVar aggregate classification (germline): Likely benign (1 of 4 stars; one submission).

Submission:

CeGaT Center for Human Genetics Tuebingen
Classification: Likely benign. Last evaluated: 2025-11-01. Review status: criteria provided, single submitter. Criteria: CeGaT Center For Human Genetics Tuebingen Variant Classification Criteria Version 2. Collection method: clinical testing. Allele origin: germline. Affected: yes. Observed: 1 variant allele.
Comment: MAP1B: BP4, BP7

NM_005909.5(MAP1B):c.411C>T (p.Leu137=)

Gene: MAP1B (microtubule associated protein 1B; plus strand). Cytogenetic location: 5q13.2.
Variant type: single nucleotide variant.
Coding change: c.411C>T on transcript NM_005909.5 (MANE Select); coding-DNA position 411, C replaced by T.
Protein change: p.Leu137=; no amino-acid change (leucine 137 retained).
Molecular consequence: synonymous variant.
Genome position (GRCh38, 1-based): chr5:72,186,655, C>T. VCF-style: chr5-72186655-C-T. GRCh37 (hg19) VCF-style: chr5-71482482-C-T.
Other names: c.33C>T, p.Leu11= (NM_001324255.2).
Identifiers: ClinVar variation 4681526 (VCV004681526.5).